The following is an entry in ClinVar:

ClinVar aggregate classification (germline): Uncertain significance (1 of 4 stars; one submission).

Submission:

GeneDx
Classification: Uncertain significance. Last evaluated: 2019-11-17. Review status: criteria provided, single submitter. Criteria: GeneDx Variant Classification Process June 2021. Collection method: clinical testing. Allele origin: germline. Affected: yes.
Comment: Not observed in large population cohorts (Lek et al., 2016); In silico analysis, which includes protein predictors and evolutionary conservation, supports a deleterious effect; Has not been previously published as pathogenic or benign to our knowledge

NM_000701.8(ATP1A1):c.998C>A (p.Pro333Gln)

Gene: ATP1A1 (ATPase Na+/K+ transporting subunit alpha 1; plus strand). Cytogenetic location: 1p13.1.
Variant type: single nucleotide variant.
Coding change: c.998C>A on transcript NM_000701.8 (MANE Select); coding-DNA position 998, C replaced by A.
Protein change: p.Pro333Gln; replaces proline 333 with glutamine.
Molecular consequence: missense variant.
Genome position (GRCh38, 1-based): chr1:116,389,682, C>A. VCF-style: chr1-116389682-C-A. GRCh37 (hg19) VCF-style: chr1-116932304-C-A.
Other names: c.998C>A, p.Pro333Gln (NM_001160233.2); c.905C>A, p.Pro302Gln (NM_001160234.2); short protein forms P302Q, P333Q.
Identifiers: ClinVar variation 1310156 (VCV001310156.2), dbSNP rs1401759980, ClinGen allele CA341844194.